The following is an entry in ClinVar:

NM_181523.3(PIK3R1):c.1735_1740del (p.Gln579_Tyr580del)

Gene: PIK3R1 (phosphoinositide-3-kinase regulatory subunit 1; plus strand). Cytogenetic location: 5q13.1.
Variant type: Deletion.
Coding change: c.1735_1740del on transcript NM_181523.3 (MANE Select); coding-DNA positions 1735 to 1740, 6 bases deleted (CAATAC; older notation c.1735_1740delCAATAC).
Protein change: p.Gln579_Tyr580del.
Molecular consequence: inframe deletion.
Genome position (GRCh38, 1-based): chr5:68,295,314-68,295,319, CAATAC deleted; deleting any 6 consecutive bases within chr5:68,295,312-68,295,319 gives the same sequence; the c. name uses the placement nearest the transcript's 3' end. VCF-style (leftmost placement, unchanged base first): chr5-68295311-GACCAAT-G. GRCh37 (hg19) VCF-style: chr5-67591139-GACCAAT-G.
Other names: c.646_651del, p.Gln216_Tyr217del (NM_001242466.2); c.925_930del, p.Gln309_Tyr310del (NM_181504.4); c.835_840del, p.Gln279_Tyr280del (NM_181524.2); c.1735_1740delCAATAC (NM_181523.3).
Identifiers: ClinVar variation 996076 (VCV000996076.7), dbSNP rs751582616, ClinGen allele CA3290466.

ClinVar aggregate classification (germline): Pathogenic/Likely pathogenic. Review status: no assertion criteria provided (0 of 4 stars). 2 submissions from 2 submitters: Pathogenic (1); Likely pathogenic (1). Last evaluated 2022-01-16.

Conditions:
Vascular Malformations and Overgrowth.
CLOVES syndrome. Also called: CLOVE SYNDROME; CONGENITAL LIPOMATOUS OVERGROWTH, VASCULAR MALFORMATIONS, EPIDERMAL NEVI, AND SKELETAL/SPINAL ABNORMALITIES; Congenital lipomatous overgrowth, vascular malformations, and epidermal nevi; CONGENITAL LIPOMATOUS OVERGROWTH, VASCULAR MALFORMATIONS, AND EPIDERMAL NEVI, SOMATIC; CLOVES; Congenital Lipomatous Overgrowth, Vascular Malformations, Epidermal Nevi, Scoliosis/Skeletal and Spinal (CLOVES) Syndrome. Identifiers: Orphanet 140944, MedGen C2752042, MONDO:0013038, OMIM 612918. Disease mechanism: gain of function.

Submissions (2):

Vascular Anomalies Center, Boston Children's Hospital, Harvard Medical School
Classification: Likely pathogenic for CLOVES syndrome. Last evaluated: 2022-01-16. Review status: no assertion criteria provided. Collection method: clinical testing. Allele origin: somatic. Affected: yes. Observed: 1 variant allele.

Institute for Genomic Medicine (IGM) Clinical Laboratory, Nationwide Children's Hospital
Classification: Pathogenic for Vascular Malformations and Overgrowth. Last evaluated: 2020-11-08. Review status: no assertion criteria provided. Collection method: research. Allele origin: somatic. Affected: yes.
Comment: This alteration is of apparent somatic mosaic etiology with strong supporting evidence including no discernible strand bias, in a region absent of repetition and sequence homology, with clean, high-quality reads, having a variant allele fraction >= 3% [PS2], is supported by well-established models demonstrating downstream impact of the variant on RNA structure, gene expression, or protein function [PS3], is either well-represented in cancer as identified in the COSMIC database with >=20 documented instances or considered to occur in a statistically significant hotspot or region according to an online resource database [PM_CANCER], and is in a non-repetitive region and results in a protein length change predicted to result in an in-frame protein product [PM4].